The following is an entry in ClinVar:

ClinVar aggregate classification (germline): Likely pathogenic (1 of 4 stars; one submission).

Conditions:
3-methylcrotonyl-CoA carboxylase 2 deficiency. Also called: 3 alpha methylcrotonyl-CoA carboxylase 2 deficiency; 3 alpha methylcrotonylglycinuria 2; MCC 2 deficiency; Methylcrotonylglycinuria type 2; METHYLCROTONYLGLYCINURIA, TYPE II. Identifiers: Orphanet 6, MedGen C1859499, MONDO:0008862, OMIM 210210.

Submission:

Labcorp Genetics (formerly Invitae), Labcorp
Classification: Likely pathogenic for 3-methylcrotonyl-CoA carboxylase 2 deficiency. Last evaluated: 2023-02-14. Review status: criteria provided, single submitter. Criteria: Invitae Variant Classification Sherloc (09022015). Collection method: clinical testing. Allele origin: germline.
Comment: Algorithms developed to predict the effect of sequence changes on RNA splicing suggest that this variant may disrupt the consensus splice site. In summary, the currently available evidence indicates that the variant is pathogenic, but additional data are needed to prove that conclusively. Therefore, this variant has been classified as Likely Pathogenic. This variant has not been reported in the literature in individuals affected with MCCC2-related conditions. This variant is present in population databases (no rsID available, gnomAD 0.006%). This sequence change affects a donor splice site in intron 9 of the MCCC2 gene. It is expected to disrupt RNA splicing. Variants that disrupt the donor or acceptor splice site typically lead to a loss of protein function (PMID: 16199547), and loss-of-function variants in MCCC2 are known to be pathogenic (PMID: 11181649, 22642865).

Literature cited by the submitters: PubMed 16199547; PubMed 11181649; PubMed 22642865.

NM_022132.5(MCCC2):c.903+2T>G

Gene: MCCC2 (methylcrotonyl-CoA carboxylase subunit 2; plus strand). Cytogenetic location: 5q13.2.
Variant type: single nucleotide variant.
Coding change: c.903+2T>G on transcript NM_022132.5 (MANE Select); the canonical splice donor site of the intron after coding-DNA position 903, T replaced by G.
Molecular consequence: splice donor variant.
Genome position (GRCh38, 1-based): chr5:71,635,044, T>G. VCF-style: chr5-71635044-T-G. GRCh37 (hg19) VCF-style: chr5-70930871-T-G.
Other names: c.789+2T>G (NM_001363147.1).
Identifiers: ClinVar variation 2817265 (VCV002817265.4), dbSNP rs1231522341, ClinGen allele CA359987253.